The following is an entry in ClinVar:

NM_002474.3(MYH11):c.3485C>G (p.Thr1162Arg)

Gene: MYH11 (myosin heavy chain 11; minus strand). Cytogenetic location: 16p13.11.
Variant type: single nucleotide variant.
Coding change: c.3485C>G on transcript NM_002474.3 (MANE Select); coding-DNA position 3485, C replaced by G.
Protein change: p.Thr1162Arg; replaces threonine 1162 with arginine.
Molecular consequence: missense variant.
Genome position (GRCh38, 1-based): chr16:15,735,387, G>C on the plus strand (C>G on the coding strand, the complement: MYH11 is on the minus strand). VCF-style: chr16-15735387-G-C. GRCh37 (hg19) VCF-style: chr16-15829244-G-C.
Other names: c.3506C>G, p.Thr1169Arg (NM_001040113.2, NM_001040114.2); c.3485C>G, p.Thr1162Arg (NM_022844.3); short protein forms T1162R, T1169R.
Identifiers: ClinVar variation 3070033 (VCV003070033.1), dbSNP rs2041086846, ClinGen allele CA394861771.

ClinVar aggregate classification (germline): Uncertain significance (1 of 4 stars; one submission).

Conditions:
Familial thoracic aortic aneurysm and aortic dissection (TAAD). Also called: Thoracic aortic aneurysms and dissections. Identifiers: Orphanet 91387, MedGen C4707243, MONDO:0019625.

Submission:

All of Us Research Program, National Institutes of Health
Classification: Uncertain significance for Familial thoracic aortic aneurysm and aortic dissection. Last evaluated: 2023-04-27. Review status: criteria provided, single submitter. Criteria: ACMG Guidelines, 2015. Collection method: clinical testing. Allele origin: germline. Inheritance: Autosomal dominant inheritance. Observed: 1 variant allele, 1 heterozygote.
Comment: This study involves interpretation of variants in research participants for the purpose of population health screening. Participant phenotype was not available at the time of variant classification. Additional details can be found in publication PMID: 35346344, PMCID: PMC8962531